The following is an entry in ClinVar:

ClinVar aggregate classification (germline): Likely benign (1 of 4 stars; one submission).

Allele frequency attached by ClinVar (database versions not stated): 1000 Genomes Project 30x 0.00062; 1000 Genomes Project 0.00100; gnomAD 0.00123.

Submission:

CeGaT Center for Human Genetics Tuebingen
Classification: Likely benign. Last evaluated: 2023-05-01. Review status: criteria provided, single submitter. Criteria: CeGaT Center For Human Genetics Tuebingen Variant Classification Criteria Version 2. Collection method: clinical testing. Allele origin: germline. Affected: yes. Observed: 9 variant alleles.
Comment: APC: BS1

NC_000005.10:g.112696987C>T

Gene: APC (APC regulator of Wnt signaling pathway; plus strand). Cytogenetic location: 5q22.2.
Variant type: single nucleotide variant.
Genome position: GRCh38 VCF-style: chr5-112696987-C-T. GRCh37 (hg19) VCF-style: chr5-112032684-C-T.
Identifiers: ClinVar variation 1711607 (VCV001711607.30), dbSNP rs182505835, ClinGen allele CA125546789.